The following is an entry in ClinVar:

NM_014003.4(DHX38):c.2456T>G (p.Phe819Cys)

Gene: DHX38 (DEAH-box helicase 38; plus strand). Cytogenetic location: 16q22.2.
Variant type: single nucleotide variant.
Coding change: c.2456T>G on transcript NM_014003.4 (MANE Select); coding-DNA position 2456, T replaced by G.
Protein change: p.Phe819Cys; replaces phenylalanine 819 with cysteine.
Molecular consequence: missense variant.
Genome position (GRCh38, 1-based): chr16:72,105,593, T>G. VCF-style: chr16-72105593-T-G. GRCh37 (hg19) VCF-style: chr16-72139492-T-G.
Other names: short protein forms F819C.
Identifiers: ClinVar variation 1348631 (VCV001348631.7), dbSNP rs2042164588, ClinGen allele CA396712710.

ClinVar aggregate classification (germline): Uncertain significance. Review status: criteria provided, multiple submitters, no conflicts (2 of 4 stars). 2 submissions from 2 submitters: Uncertain significance (2). Last evaluated 2024-03-19.

Allele frequency attached by ClinVar (database versions not stated): TOPMed below 0.00001.

Submissions (2):

Blueprint Genetics
Classification: Uncertain significance. Last evaluated: 2024-03-19. Review status: criteria provided, single submitter. Criteria: ACMG Guidelines, 2015. Collection method: clinical testing. Allele origin: germline.

Labcorp Genetics (formerly Invitae), Labcorp
Classification: Uncertain significance. Last evaluated: 2022-07-06. Review status: criteria provided, single submitter. Criteria: Invitae Variant Classification Sherloc (09022015). Collection method: clinical testing. Allele origin: germline.
Comment: This variant is not present in population databases (gnomAD no frequency). This sequence change replaces phenylalanine, which is neutral and non-polar, with cysteine, which is neutral and slightly polar, at codon 819 of the DHX38 protein (p.Phe819Cys). This variant has not been reported in the literature in individuals affected with DHX38-related conditions. ClinVar contains an entry for this variant (Variation ID: 1348631). Algorithms developed to predict the effect of missense changes on protein structure and function (SIFT, PolyPhen-2, Align-GVGD) all suggest that this variant is likely to be disruptive. In summary, the available evidence is currently insufficient to determine the role of this variant in disease. Therefore, it has been classified as a Variant of Uncertain Significance.